The following is an entry in ClinVar:

NM_024675.4(PALB2):c.1914del (p.Phe638fs)

Gene: PALB2 (partner and localizer of BRCA2; minus strand). Cytogenetic location: 16p12.2.
Variant type: Deletion.
Coding change: c.1914del on transcript NM_024675.4 (MANE Select); coding-DNA position 1914, one base deleted (T; older notation c.1914delT).
Protein change: p.Phe638fs; shifts the reading frame from phenylalanine 638.
Molecular consequence: frameshift variant.
Genome position (GRCh38, 1-based): chr16:23,630,240, A deleted on the plus strand (T on the coding strand, the reverse complement: PALB2 is on the minus strand); the first of 3 consecutive A bases (chr16:23,630,240-23,630,242); deleting any one gives the same sequence. VCF-style (leftmost placement, unchanged base first): chr16-23630239-CA-C. GRCh37 (hg19) VCF-style: chr16-23641560-CA-C.
Other names: c.1914delT (NM_024675.3); short protein forms F638fs.
Identifiers: ClinVar variation 492172 (VCV000492172.14), dbSNP rs1555460593, ClinGen allele CA658683932.

ClinVar aggregate classification (germline): Pathogenic. Review status: criteria provided, multiple submitters, no conflicts (2 of 4 stars). 2 submissions from 2 submitters: Pathogenic (2). Last evaluated 2023-10-04.

Conditions:
Hereditary cancer-predisposing syndrome. Also called: Hereditary neoplastic syndrome; Tumor predisposition; Hereditary Cancer Syndrome; Neoplastic Syndromes, Hereditary. Identifiers: Orphanet 140162, MedGen C0027672, MeSH D009386, MONDO:0015356.
Familial cancer of breast. Also called: Hereditary breast cancer; hereditary breast carcinoma; BREAST CANCER, FAMILIAL. Identifiers: Orphanet 227535, MedGen C0346153, MONDO:0016419, OMIM 114480. Disease mechanism: loss of function.

Submissions (2):

Labcorp Genetics (formerly Invitae), Labcorp
Classification: Pathogenic for Familial cancer of breast. Last evaluated: 2023-10-04. Review status: criteria provided, single submitter. Criteria: Invitae Variant Classification Sherloc (09022015). Collection method: clinical testing. Allele origin: germline.
Comment: This sequence change creates a premature translational stop signal (p.Phe638Leufs*22) in the PALB2 gene. It is expected to result in an absent or disrupted protein product. Loss-of-function variants in PALB2 are known to be pathogenic (PMID: 17200668, 17200671, 17200672, 24136930, 25099575). This variant is not present in population databases (gnomAD no frequency). This variant has not been reported in the literature in individuals affected with PALB2-related conditions. ClinVar contains an entry for this variant (Variation ID: 492172). For these reasons, this variant has been classified as Pathogenic.

Color Diagnostics, LLC DBA Color Health
Classification: Pathogenic for Hereditary cancer-predisposing syndrome. Last evaluated: 2022-03-16. Review status: criteria provided, single submitter. Criteria: ACMG Guidelines, 2015. Collection method: clinical testing. Allele origin: germline.
Comment: This variant deletes 1 nucleotide in exon 5 of the PALB2 gene, creating a frameshift and premature translation stop signal. This variant is expected to result in an absent or non-functional protein product. To our knowledge, this variant has not been reported in individuals affected with hereditary cancer in the literature. This variant has not been identified in the general population by the Genome Aggregation Database (gnomAD). Loss of PALB2 function is a known mechanism of disease. Based on the available evidence, this variant is classified as Pathogenic.

Literature cited by the submitters: PubMed 17200668 (cited by Labcorp Genetics (formerly Invitae), Labcorp); PubMed 17200671 (cited by Labcorp Genetics (formerly Invitae), Labcorp); PubMed 17200672 (cited by Labcorp Genetics (formerly Invitae), Labcorp); PubMed 24136930 (cited by Labcorp Genetics (formerly Invitae), Labcorp); PubMed 25099575 (cited by Labcorp Genetics (formerly Invitae), Labcorp).